The following is an entry in ClinVar:

ClinVar aggregate classification (germline): Uncertain significance (1 of 4 stars; one submission).

Conditions:
Dyskeratosis congenita. Identifiers: Orphanet 1775, MedGen C0265965, MONDO:0015780.

Submission:

Labcorp Genetics (formerly Invitae), Labcorp
Classification: Uncertain significance for Dyskeratosis congenita. Last evaluated: 2022-10-13. Review status: criteria provided, single submitter. Criteria: Invitae Variant Classification Sherloc (09022015). Collection method: clinical testing. Allele origin: germline.
Comment: In summary, the available evidence is currently insufficient to determine the role of this variant in disease. Therefore, it has been classified as a Variant of Uncertain Significance. Advanced modeling of protein sequence and biophysical properties (such as structural, functional, and spatial information, amino acid conservation, physicochemical variation, residue mobility, and thermodynamic stability) performed at Invitae indicates that this missense variant is not expected to disrupt CTC1 protein function. This variant has not been reported in the literature in individuals affected with CTC1-related conditions. This variant is not present in population databases (gnomAD no frequency). This sequence change replaces isoleucine, which is neutral and non-polar, with threonine, which is neutral and polar, at codon 820 of the CTC1 protein (p.Ile820Thr).

NM_025099.6(CTC1):c.2459T>C (p.Ile820Thr)

Gene: CTC1 (CST telomere replication complex component 1; minus strand). Cytogenetic location: 17p13.1.
Variant type: single nucleotide variant.
Coding change: c.2459T>C on transcript NM_025099.6 (MANE Select); coding-DNA position 2459, T replaced by C.
Protein change: p.Ile820Thr; replaces isoleucine 820 with threonine.
Molecular consequence: missense variant. On other transcripts: non-coding transcript variant (1).
Genome position (GRCh38, 1-based): chr17:8,231,742, A>G on the plus strand (T>C on the coding strand, the complement: CTC1 is on the minus strand). VCF-style: chr17-8231742-A-G. GRCh37 (hg19) VCF-style: chr17-8135060-A-G.
Other names: c.2459T>C, p.Ile820Thr (NM_001411067.1); short protein forms I820T.
Identifiers: ClinVar variation 2084951 (VCV002084951.3), dbSNP rs2507894181, ClinGen allele CA397976569.